The following is an entry in ClinVar:

ClinVar aggregate classification (germline): Uncertain significance (1 of 4 stars; one submission).

gnomAD v4.1: 1 of 1,610,990 alleles (0.000062%); highest among the groups gnomAD compares: African/African-American, 0.0013%; no homozygotes.

Submission:

Ambry Genetics
Classification: Uncertain significance. Last evaluated: 2026-02-23. Review status: criteria provided, single submitter. Criteria: Ambry Variant Classification Scheme 2023. Collection method: clinical testing. Allele origin: germline.
Comment: The p.V468M variant (also known as c.1402G>A), located in coding exon 8 of the ATRIP gene, results from a G to A substitution at nucleotide position 1402. The valine at codon 468 is replaced by methionine, an amino acid with highly similar properties. This amino acid position is conserved. In addition, this alteration is predicted to be tolerated by in silico analysis. Based on the available evidence, the clinical significance of this variant remains unclear.

NM_130384.3(ATRIP):c.1402G>A (p.Val468Met)

Genes: ATRIP (ATR interacting protein; plus strand), ATRIP-TREX1 (ATRIP-TREX1 readthrough; plus strand). Cytogenetic location: 3p21.31.
Variant type: single nucleotide variant.
Coding change: c.1402G>A on transcript NM_130384.3 (MANE Select); coding-DNA position 1402, G replaced by A.
Protein change: p.Val468Met; replaces valine 468 with methionine.
Molecular consequence: missense variant. On other transcripts: non-coding transcript variant (1).
Genome position (GRCh38, 1-based): chr3:48,460,456, G>A. VCF-style: chr3-48460456-G-A. GRCh37 (hg19) VCF-style: chr3-48501855-G-A.
Other names: c.1021G>A, p.Val341Met (NM_001271022.2); c.1123G>A, p.Val375Met (NM_001271023.2); c.1402G>A, p.Val468Met (NM_032166.4); short protein forms V341M, V375M, V468M.
Identifiers: ClinVar variation 4826267 (VCV004826267.1).